The following is an entry in ClinVar:

ClinVar aggregate classification (germline): Likely benign. Review status: criteria provided, single submitter (1 of 4 stars). 2 submissions from 2 submitters: Likely benign (1). 1 of the submissions does not count toward it. Last evaluated 2024-10-17.

Conditions:
SLFN14-related disorder. Also called: SLFN14-related condition.

Allele frequency attached by ClinVar (database versions not stated): 1000 Genomes Project 30x 0.00031; 1000 Genomes Project 0.00040; ExAC 0.00086.
gnomAD v4.1: 3,198 of 1,551,668 alleles (0.21%); highest among the groups gnomAD compares: Non-Finnish European, 0.26%; 5 homozygotes.

Submissions (2):

Blueprint Genetics
Classification: Likely benign. Last evaluated: 2024-10-17. Review status: criteria provided, single submitter. Criteria: ACMG Guidelines, 2015. Collection method: clinical testing. Allele origin: germline.

PreventionGenetics, part of Exact Sciences
Classification: Likely benign for SLFN14-related condition. Last evaluated: 2023-12-20. Review status: no assertion criteria provided. Collection method: clinical testing. Allele origin: germline. Not counted in ClinVar's aggregate classification.
Comment: This variant is classified as likely benign based on ACMG/AMP sequence variant interpretation guidelines (Richards et al. 2015 PMID: 25741868, with internal and published modifications).

NM_001129820.2(SLFN14):c.394C>T (p.Arg132Trp)

Gene: SLFN14 (schlafen family member 14; minus strand). Cytogenetic location: 17q12.
Variant type: single nucleotide variant.
Coding change: c.394C>T on transcript NM_001129820.2 (MANE Select); coding-DNA position 394, C replaced by T.
Protein change: p.Arg132Trp; replaces arginine 132 with tryptophan.
Molecular consequence: missense variant.
Genome position (GRCh38, 1-based): chr17:35,557,669, G>A on the plus strand (C>T on the coding strand, the complement: SLFN14 is on the minus strand). VCF-style: chr17-35557669-G-A. GRCh37 (hg19) VCF-style: chr17-33884688-G-A.
Other names: short protein forms R132W.
Identifiers: ClinVar variation 3043801 (VCV003043801.3), dbSNP rs199663871, ClinGen allele CA8504701.